The following is an entry in ClinVar:

ClinVar aggregate classification (germline): Uncertain significance. Review status: criteria provided, multiple submitters, no conflicts (2 of 4 stars). 2 submissions from 2 submitters: Uncertain significance (2). Last evaluated 2025-10-01.

Conditions:
Inborn genetic diseases. Identifiers: MedGen C0950123, MeSH D030342.
Joubert syndrome 15 (JBTS15). Identifiers: Orphanet 475, MedGen C3280897, MONDO:0013763, OMIM 614464.

Allele frequency attached by ClinVar (database versions not stated): TOPMed 0.00002; gnomAD 0.00003.
gnomAD v4.1: 7 of 1,613,408 alleles (0.00043%); highest among the groups gnomAD compares: Admixed American, 0.012%; no homozygotes.

Submissions (2):

Ambry Genetics
Classification: Uncertain significance for Inborn genetic diseases. Last evaluated: 2025-10-01. Review status: criteria provided, single submitter. Criteria: Ambry Variant Classification Scheme 2023. Collection method: clinical testing. Allele origin: germline.

Labcorp Genetics (formerly Invitae), Labcorp
Classification: Uncertain significance for Joubert syndrome 15. Last evaluated: 2022-11-03. Review status: criteria provided, single submitter. Criteria: Invitae Variant Classification Sherloc (09022015). Collection method: clinical testing. Allele origin: germline.
Comment: In summary, the available evidence is currently insufficient to determine the role of this variant in disease. Therefore, it has been classified as a Variant of Uncertain Significance. Advanced modeling of protein sequence and biophysical properties (such as structural, functional, and spatial information, amino acid conservation, physicochemical variation, residue mobility, and thermodynamic stability) performed at Invitae indicates that this missense variant is not expected to disrupt CEP41 protein function. This variant has not been reported in the literature in individuals affected with CEP41-related conditions. This variant is present in population databases (no rsID available, gnomAD 0.003%). This sequence change replaces serine, which is neutral and polar, with arginine, which is basic and polar, at codon 121 of the CEP41 protein (p.Ser121Arg).

NM_018718.3(CEP41):c.363C>G (p.Ser121Arg)

Gene: CEP41 (centrosomal protein 41; minus strand). Cytogenetic location: 7q32.2.
Variant type: single nucleotide variant.
Coding change: c.363C>G on transcript NM_018718.3 (MANE Select); coding-DNA position 363, C replaced by G.
Protein change: p.Ser121Arg; replaces serine 121 with arginine.
Molecular consequence: missense variant.
Genome position (GRCh38, 1-based): chr7:130,404,623, G>C on the plus strand (C>G on the coding strand, the complement: CEP41 is on the minus strand). VCF-style: chr7-130404623-G-C. GRCh37 (hg19) VCF-style: chr7-130044464-G-C.
Other names: c.363C>G (NM_018718.1); c.363C>G, p.Ser121Arg (NM_001257158.2); c.315C>G, p.Ser105Arg (NM_001257159.2); short protein forms S121R, S105R.
Identifiers: ClinVar variation 2152882 (VCV002152882.4), dbSNP rs907155632, ClinGen allele CA166905306.
Genomic context (GRCh38, chr7:130,404,623, plus strand): 5'-CCTCTGAAGAGTTGAGCGGCTGGAGTCCCCTGCTCCTGCGTTGTTTATGAACTGCTCAGG[G>C]CTCGGCGACTGCTCACCTGGATTTCCTTTCCCATTGGTCCTGGCAGTGGTTTCAGCATCA-3'
Protein context (NP_061188.1, residues 111-131): GKGNPGEQSP[Ser121Arg]PEQFINNAGA